The following is an entry in ClinVar:

ClinVar aggregate classification (germline): Uncertain significance (1 of 4 stars; one submission).

Allele frequency attached by ClinVar (database versions not stated): gnomAD 0.00001; TOPMed 0.00001; ExAC 0.00002; gnomAD exomes 0.00002.
gnomAD v4.1: 26 of 1,613,892 alleles (0.0016%); highest among the groups gnomAD compares: South Asian, 0.0033%; no homozygotes.

Submission:

Labcorp Genetics (formerly Invitae), Labcorp
Classification: Uncertain significance. Last evaluated: 2022-07-13. Review status: criteria provided, single submitter. Criteria: Invitae Variant Classification Sherloc (09022015). Collection method: clinical testing. Allele origin: germline.
Comment: This sequence change replaces serine, which is neutral and polar, with leucine, which is neutral and non-polar, at codon 313 of the EIF2AK3 protein (p.Ser313Leu). This variant is present in population databases (rs757246219, gnomAD 0.004%). This variant has not been reported in the literature in individuals affected with EIF2AK3-related conditions. Algorithms developed to predict the effect of missense changes on protein structure and function are either unavailable or do not agree on the potential impact of this missense change (SIFT: "Tolerated"; PolyPhen-2: "Possibly Damaging"; Align-GVGD: "Class C0"). In summary, the available evidence is currently insufficient to determine the role of this variant in disease. Therefore, it has been classified as a Variant of Uncertain Significance.

NM_004836.7(EIF2AK3):c.938C>T (p.Ser313Leu)

Gene: EIF2AK3 (eukaryotic translation initiation factor 2 alpha kinase 3; minus strand). Cytogenetic location: 2p11.2.
Variant type: single nucleotide variant.
Coding change: c.938C>T on transcript NM_004836.7 (MANE Select); coding-DNA position 938, C replaced by T.
Protein change: p.Ser313Leu; replaces serine 313 with leucine.
Molecular consequence: missense variant.
Genome position (GRCh38, 1-based): chr2:88,590,882, G>A on the plus strand (C>T on the coding strand, the complement: EIF2AK3 is on the minus strand). VCF-style: chr2-88590882-G-A. GRCh37 (hg19) VCF-style: chr2-88890400-G-A.
Other names: c.485C>T, p.Ser162Leu (NM_001313915.2); short protein forms S162L, S313L.
Identifiers: ClinVar variation 2192402 (VCV002192402.1), dbSNP rs757246219, ClinGen allele CA1754807.
Genomic context (GRCh38, chr2:88,590,882, plus strand): 5'-TACTCCCATTCCAGATGTCCTCCCTTCTTACTGAATGCCATAACTTTCCAGTCAGCAACC[G>A]AAACCTTTATCACTATGTCCATTATGGCAGCTTCCTGTTCTTCCACATCTGAAATAATTT-3'
Protein context (NP_004827.4, residues 303-323): AAIMDIVIKV[Ser313Leu]VADWKVMAFS